The following is an entry in ClinVar:

ClinVar aggregate classification (germline): Uncertain significance (1 of 4 stars; one submission).

Submission:

Labcorp Genetics (formerly Invitae), Labcorp
Classification: Uncertain significance. Last evaluated: 2025-08-04. Review status: criteria provided, single submitter. Criteria: Invitae Variant Classification Sherloc (09022015). Collection method: clinical testing. Allele origin: germline.
Comment: This sequence change creates a premature translational stop signal (p.Gly1974Trpfs*15) in the MPDZ gene. While this is not anticipated to result in nonsense mediated decay, it is expected to disrupt the last 68 amino acid(s) of the MPDZ protein. This variant is not present in population databases (gnomAD no frequency). This variant has not been reported in the literature in individuals affected with MPDZ-related conditions. ClinVar contains an entry for this variant (Variation ID: 1385013). Experimental studies and prediction algorithms are not available or were not evaluated, and the functional significance of this variant is currently unknown. Algorithms developed to predict the effect of sequence changes on RNA splicing suggest that this variant may disrupt the consensus splice site. In summary, the available evidence is currently insufficient to determine the role of this variant in disease. Therefore, it has been classified as a Variant of Uncertain Significance.

NM_001378778.1(MPDZ):c.6006dup (p.Gly2003fs)

Gene: MPDZ (multiple PDZ domain crumbs cell polarity complex component; minus strand). Cytogenetic location: 9p23.
Variant type: Duplication.
Coding change: c.6006dup on transcript NM_001378778.1 (MANE Select); coding-DNA position 6006, one base duplicated (T; older notation c.6006dupT).
Protein change: p.Gly2003fs; shifts the reading frame from glycine 2003.
Molecular consequence: frameshift variant.
Genome position (GRCh38, 1-based): chr9:13,108,996, A duplicated on the plus strand (T on the coding strand, the reverse complement: MPDZ is on the minus strand); the first of 2 consecutive A bases (chr9:13,108,996-13,108,997); duplicating either gives the same sequence. VCF-style (leftmost placement, unchanged base first): chr9-13108995-C-CA. GRCh37 (hg19) VCF-style: chr9-13108994-C-CA.
Other names: c.5907dup, p.Gly1970fs (NM_001375417.1, NM_001375418.1, NM_001261406.2 and 1 more transcripts); c.5820dup, p.Gly1941fs (NM_001375419.1, NM_001261407.2); c.5796dup, p.Gly1933fs (NM_001375420.1, NM_001375421.1, NM_001375422.1 and 2 more transcripts); c.5709dup, p.Gly1904fs (NM_001375425.1, NM_001375426.1); c.6006dup, p.Gly2003fs (NM_001330637.2); c.6105dup, p.Gly2036fs (NM_001375413.1); c.5598dup, p.Gly1867fs (NM_001375427.1); c.5919dup, p.Gly1974fs (NM_003829.5); short protein forms G1933fs, G2003fs, G1904fs, G2036fs, G1867fs, G1941fs, G1970fs, G1974fs.
Identifiers: ClinVar variation 1385013 (VCV001385013.4), dbSNP rs1284197854, ClinGen allele CA860498134.